The following is an entry in ClinVar:

ClinVar aggregate classification (germline): Uncertain significance (1 of 4 stars; one submission).

Submission:

Labcorp Genetics (formerly Invitae), Labcorp
Classification: Uncertain significance. Last evaluated: 2024-04-19. Review status: criteria provided, single submitter. Criteria: Invitae Variant Classification Sherloc (09022015). Collection method: clinical testing. Allele origin: germline.
Comment: This variant, c.866_868delinsTAT, is a complex sequence change that results in the substitution of 2 amino acid(s) in the SIAE protein (p.Tyr289_Asn290delinsLeuTyr). Information on the frequency of this variant in the gnomAD database is not available, as this variant may be reported differently in the database. This variant has not been reported in the literature in individuals affected with SIAE-related conditions. Experimental studies and prediction algorithms are not available or were not evaluated, and the functional significance of this variant is currently unknown. In summary, the available evidence is currently insufficient to determine the role of this variant in disease. Therefore, it has been classified as a Variant of Uncertain Significance.

NM_170601.5(SIAE):c.866_868delinsTAT (p.Tyr289_Asn290delinsLeuTyr)

Gene: SIAE (sialic acid acetylesterase; minus strand). Cytogenetic location: 11q24.2.
Variant type: Indel.
Coding change: c.866_868delinsTAT on transcript NM_170601.5 (MANE Select); coding-DNA positions 866 to 868, ACA replaced by TAT.
Protein change: p.Tyr289_Asn290delinsLeuTyr.
Molecular consequence: missense variant.
Genome position (GRCh38, 1-based): chr11:124,647,463-124,647,465, TGT replaced by ATA on the plus strand (ACA replaced by TAT on the coding strand, the reverse complement: SIAE is on the minus strand). VCF-style: chr11-124647463-TGT-ATA. GRCh37 (hg19) VCF-style: chr11-124517359-TGT-ATA.
Other names: c.761_763delinsTAT, p.Tyr254_Asn255delinsLeuTyr (NM_001199922.2).
Identifiers: ClinVar variation 3013453 (VCV003013453.3), dbSNP rs2496900209, ClinGen allele CA2740093242.